The following is an entry in ClinVar:

NM_001042492.3(NF1):c.1884del (p.Phe627_Tyr628insTer)

Gene: NF1 (neurofibromin 1; plus strand). Cytogenetic location: 17q11.2.
Variant type: Deletion.
Coding change: c.1884del on transcript NM_001042492.3 (MANE Select); coding-DNA position 1884, one base deleted (C; older notation c.1884delC).
Protein change: p.Phe627_Tyr628insTer.
Molecular consequence: nonsense. On other transcripts: frameshift variant (1).
Genome position (GRCh38, 1-based): chr17:31,225,133, C deleted. VCF-style (leftmost placement, unchanged base first): chr17-31225132-AC-A. GRCh37 (hg19) VCF-style: chr17-29552150-AC-A.
Other names: c.1884delC (NM_000267.3); c.1884delC, p.Tyr628Terfs (NM_000267.4).
Identifiers: ClinVar variation 842649 (VCV000842649.7), dbSNP rs2066990429, ClinGen allele CA916080579.

ClinVar aggregate classification (germline): Pathogenic/Likely pathogenic. Review status: criteria provided, multiple submitters, no conflicts (2 of 4 stars). 2 submissions from 2 submitters: Pathogenic (1); Likely pathogenic (1). Last evaluated 2023-02-24.

Conditions:
Neurofibromatosis, type 1 (NF1). Also called: Peripheral type neurofibromatosis; VON RECKLINGHAUSEN DISEASE; Neurofibromatosis, type I; NEUROFIBROMATOSIS, TYPE I, SOMATIC. Identifiers: Orphanet 636, MedGen C0027831, MONDO:0018975, OMIM 162200. Disease mechanism: loss of function.

Submissions (2):

Women's Health and Genetics/Laboratory Corporation of America, LabCorp
Classification: Likely pathogenic for Neurofibromatosis, type 1. Last evaluated: 2023-02-24. Review status: criteria provided, single submitter. Criteria: LabCorp Variant Classification Summary - May 2015. Collection method: clinical testing. Allele origin: germline.
Comment: Variant summary: NF1 c.1884delC (p.Tyr628X) results in a premature termination codon, predicted to cause a truncation of the encoded protein or absence of the protein due to nonsense mediated decay, which are commonly known mechanisms for disease. Truncations downstream of this position have been classified as pathogenic by our laboratory. The variant was absent in 251210 control chromosomes (gnomAD). To our knowledge, no occurrence of c.1884delC in individuals affected with Neurofibromatosis Type 1 and no experimental evidence demonstrating its impact on protein function have been reported. One ClinVar submitter (evaluation after 2014) cites this variant as pathogenic. Based on the evidence outlined above, the variant was classified as likely pathogenic.

Labcorp Genetics (formerly Invitae), Labcorp
Classification: Pathogenic for Neurofibromatosis, type 1. Last evaluated: 2019-01-25. Review status: criteria provided, single submitter. Criteria: Invitae Variant Classification Sherloc (09022015). Collection method: clinical testing. Allele origin: germline.
Comment: This variant is not present in population databases (ExAC no frequency). This variant has not been reported in the literature in individuals with NF1-related conditions. A different variant (c.1884C>A) giving rise to the same protein effect observed here (p.Tyr628*) has been determined to be pathogenic (Invitae). This suggests that this variant is also likely to be causative of disease. Loss-of-function variants in NF1 are known to be pathogenic (PMID: 10712197, 23913538). For these reasons, this variant has been classified as Pathogenic. This sequence change creates a premature translational stop signal (p.Tyr628*) in the NF1 gene. It is expected to result in an absent or disrupted protein product.

Literature cited by the submitters: PubMed 10712197 (cited by Labcorp Genetics (formerly Invitae), Labcorp); PubMed 23913538 (cited by Labcorp Genetics (formerly Invitae), Labcorp).